The following is an entry in ClinVar:

NM_152574.3(TTC39B):c.77+18481T>G

Gene: TTC39B (tetratricopeptide repeat domain 39B; minus strand). Cytogenetic location: 9p22.3.
Variant type: single nucleotide variant.
Coding change: c.77+18481T>G on transcript NM_152574.3 (MANE Select); 18481 bases into the intron after coding-DNA position 77, T replaced by G.
Molecular consequence: intron variant.
Genome position (GRCh38, 1-based): chr9:15,249,433, A>C on the plus strand (T>G on the coding strand, the complement: TTC39B is on the minus strand). VCF-style: chr9-15249433-A-C. GRCh37 (hg19) VCF-style: chr9-15249431-A-C.
Other names: c.77+18481T>G (NM_001168341.2, NM_001168339.2, NM_001168340.2); c.-125+485T>G (NM_001168342.2).
Identifiers: ClinVar variation 1225250 (VCV001225250.4), dbSNP rs7874043, ClinGen allele CA189416145.
Genomic context (GRCh38, chr9:15,249,433, plus strand): 5'-AGCACAGCAAGGTCAGAGGTGAGAGTCTAGGACAATCAACACATGCTATTTCTGAGGACA[A>C]GCCACTTTACTAATCTCTAAGGTTCTAATTACCCTAACAAAACAAAACAAAATGCTATAA-3'

ClinVar aggregate classification (germline): Benign (1 of 4 stars; one submission).

Allele frequency attached by ClinVar (database versions not stated): gnomAD exomes 0.01773; TOPMed 0.04061; gnomAD 0.04129 and 0.04162; 1000 Genomes Project 0.05272; 1000 Genomes Project 30x 0.05294.
gnomAD v4.1: 6,312 of 152,860 alleles (4.1%); highest among the groups gnomAD compares: African/African-American, 6.4%; 159 homozygotes.

Submission:

GeneDx
Classification: Benign. Last evaluated: 2021-02-26. Review status: criteria provided, single submitter. Criteria: GeneDx Variant Classification Process June 2021. Collection method: clinical testing. Allele origin: germline. Affected: yes.
Comment: This variant is associated with the following publications: (PMID: 26840454)